The following is an entry in ClinVar:

ClinVar aggregate classification (germline): Uncertain significance (1 of 4 stars; one submission).

Conditions:
Capillary malformation-arteriovenous malformation syndrome. Also called: Capillary malformation-arteriovenous malformation. Identifiers: Orphanet 137667, MedGen C1842180, MONDO:0012016.

Submission:

Labcorp Genetics (formerly Invitae), Labcorp
Classification: Uncertain significance for Capillary malformation-arteriovenous malformation syndrome. Last evaluated: 2023-09-18. Review status: criteria provided, single submitter. Criteria: Invitae Variant Classification Sherloc (09022015). Collection method: clinical testing. Allele origin: germline.
Comment: This sequence change falls in intron 12 of the RASA1 gene. It does not directly change the encoded amino acid sequence of the RASA1 protein. It affects a nucleotide within the consensus splice site. This variant is not present in population databases (gnomAD no frequency). This variant has not been reported in the literature in individuals affected with RASA1-related conditions. Variants that disrupt the consensus splice site are a relatively common cause of aberrant splicing (PMID: 17576681, 9536098). Algorithms developed to predict the effect of sequence changes on RNA splicing suggest that this variant is not likely to affect RNA splicing. In summary, the available evidence is currently insufficient to determine the role of this variant in disease. Therefore, it has been classified as a Variant of Uncertain Significance.

Literature cited by the submitters: PubMed 17576681; PubMed 9536098.

NM_002890.3(RASA1):c.1698+5G>A

Genes: CCNH (cyclin H; minus strand), RASA1 (RAS p21 protein activator 1; plus strand). Cytogenetic location: 5q14.3.
Variant type: single nucleotide variant.
Coding change: c.1698+5G>A on transcript NM_002890.3 (MANE Select); 5 bases into the intron after coding-DNA position 1698, G replaced by A.
Molecular consequence: intron variant.
Genome position (GRCh38, 1-based): chr5:87,369,905, G>A. VCF-style: chr5-87369905-G-A. GRCh37 (hg19) VCF-style: chr5-86665722-G-A.
Other names: c.1167+5G>A (NM_022650.3); c.933+25139C>T (NM_001364075.2).
Identifiers: ClinVar variation 2761543 (VCV002761543.3), dbSNP rs2531324529, ClinGen allele CA2697546316.